The following is an entry in ClinVar:

ClinVar aggregate classification (germline): Uncertain significance (1 of 4 stars; one submission).

Submission:

Labcorp Genetics (formerly Invitae), Labcorp
Classification: Uncertain significance. Last evaluated: 2023-05-03. Review status: criteria provided, single submitter. Criteria: Invitae Variant Classification Sherloc (09022015). Collection method: clinical testing. Allele origin: germline.
Comment: In summary, the available evidence is currently insufficient to determine the role of this variant in disease. Therefore, it has been classified as a Variant of Uncertain Significance. An algorithm developed to predict the effect of missense changes on protein structure and function (PolyPhen-2) suggests that this variant is likely to be disruptive. This sequence change replaces cysteine, which is neutral and slightly polar, with tyrosine, which is neutral and polar, at codon 181 of the FBXO11 protein (p.Cys181Tyr). This variant is not present in population databases (gnomAD no frequency). This variant has not been reported in the literature in individuals affected with FBXO11-related conditions.

NM_001190274.2(FBXO11):c.542G>A (p.Cys181Tyr)

Gene: FBXO11 (F-box protein 11; minus strand). Cytogenetic location: 2p16.3.
Variant type: single nucleotide variant.
Coding change: c.542G>A on transcript NM_001190274.2 (MANE Select); coding-DNA position 542, G replaced by A.
Protein change: p.Cys181Tyr; replaces cysteine 181 with tyrosine.
Molecular consequence: missense variant.
Genome position (GRCh38, 1-based): chr2:47,838,904, C>T on the plus strand (G>A on the coding strand, the complement: FBXO11 is on the minus strand). VCF-style: chr2-47838904-C-T. GRCh37 (hg19) VCF-style: chr2-48066043-C-T.
Other names: c.290G>A, p.Cys97Tyr (NM_001374325.1, NM_025133.4); short protein forms C181Y, C97Y.
Identifiers: ClinVar variation 2861867 (VCV002861867.3), dbSNP rs2531254156, ClinGen allele CA346812898.
Genomic context (GRCh38, chr2:47,838,904, plus strand): 5'-TAGGTTTTTACTTACCACAAAATTGGATCATTAGCAAGTTCACTGAAGCGTTTACATACA[C>T]AAGCTGCTCTACAAAGATCCTGTTCCAGCAAGTAAGAGAAGATTTTTAGAACCACTTCAT-3'
Protein context (NP_001177203.1, residues 171-191): LLEQDLCRAA[Cys181Tyr]VCKRFSELAN